The following is an entry in ClinVar:

ClinVar aggregate classification (germline): Pathogenic (1 of 4 stars; one submission).

Conditions:
Wilson disease (WND). Also called: Wilson's disease. Identifiers: Orphanet 905, MedGen C0019202, MONDO:0010200, OMIM 277900. Disease mechanism: loss of function.

Submission:

Labcorp Genetics (formerly Invitae), Labcorp
Classification: Pathogenic for Wilson disease. Last evaluated: 2022-05-27. Review status: criteria provided, single submitter. Criteria: Invitae Variant Classification Sherloc (09022015). Collection method: clinical testing. Allele origin: germline.
Comment: For these reasons, this variant has been classified as Pathogenic. This variant has not been reported in the literature in individuals affected with ATP7B-related conditions. This variant is a gross deletion of the genomic region encompassing exon(s) 15 of the ATP7B gene. This deletion is out-of-frame, and is expected to create a premature termination codon and result in an absent or disrupted protein product. Loss-of-function variants in ATP7B are known to be pathogenic (PMID: 10441329, 16283883).

Literature cited by the submitters: PubMed 10441329; PubMed 16283883.

NC_000013.10:g.(?_52516512)_(52516700_?)del

Gene: ATP7B (ATPase copper transporting beta; minus strand). Cytogenetic location: 13q14.3.
Variant type: Deletion.
Identifiers: ClinVar variation 2422248 (VCV002422248.4).